The following is an entry in ClinVar:

ClinVar aggregate classification (germline): Conflicting classifications of pathogenicity. Review status: criteria provided, conflicting classifications (1 of 4 stars). 2 submissions from 2 submitters: Likely pathogenic (1); Uncertain significance (1). Last evaluated 2024-09-09.

Conditions:
Hepatic methionine adenosyltransferase deficiency. Also called: MAT I/III DEFICIENCY; Isolated Persistent Hypermethioninemia; Deficiency of methionine adenosyltransferase; Methionine adenosyltransferase deficiency. Identifiers: Orphanet 168598, MedGen C0268621, MeSH C564683, MONDO:0009607, OMIM 250850.

Allele frequency attached by ClinVar (database versions not stated): TOPMed 0.00002; gnomAD exomes below 0.00001; gnomAD 0.00002.
gnomAD v4.1: 6 of 1,614,074 alleles (0.00037%); highest among the groups gnomAD compares: African/African-American, 0.004%; no homozygotes.

Submissions (2):

Department of Human Genetics, Hannover Medical School
Classification: Likely pathogenic for Hepatic methionine adenosyltransferase deficiency. Last evaluated: 2024-09-09. Review status: criteria provided, single submitter. Criteria: ACMG Guidelines, 2015. Collection method: clinical testing. Allele origin: germline. Affected: yes.

Labcorp Genetics (formerly Invitae), Labcorp
Classification: Uncertain significance for Hepatic methionine adenosyltransferase deficiency. Last evaluated: 2023-10-17. Review status: criteria provided, single submitter. Criteria: Invitae Variant Classification Sherloc (09022015). Collection method: clinical testing. Allele origin: germline.
Comment: This sequence change replaces glycine, which is neutral and non-polar, with serine, which is neutral and polar, at codon 91 of the MAT1A protein (p.Gly91Ser). This variant is present in population databases (no rsID available, gnomAD 0.006%). This missense change has been observed in individual(s) with autosomal recessive isolated elevation of methionine (PMID: 24445979). Advanced modeling of protein sequence and biophysical properties (such as structural, functional, and spatial information, amino acid conservation, physicochemical variation, residue mobility, and thermodynamic stability) performed at Invitae indicates that this missense variant is expected to disrupt MAT1A protein function. In summary, the available evidence is currently insufficient to determine the role of this variant in disease. Therefore, it has been classified as a Variant of Uncertain Significance.

Literature cited by the submitters: PubMed 24445979 (cited by Labcorp Genetics (formerly Invitae), Labcorp).

NM_000429.3(MAT1A):c.271G>A (p.Gly91Ser)

Gene: MAT1A (methionine adenosyltransferase 1A; minus strand). Cytogenetic location: 10q22.3.
Variant type: single nucleotide variant.
Coding change: c.271G>A on transcript NM_000429.3 (MANE Select); coding-DNA position 271, G replaced by A.
Protein change: p.Gly91Ser; replaces glycine 91 with serine.
Molecular consequence: missense variant.
Genome position (GRCh38, 1-based): chr10:80,283,937, C>T on the plus strand (G>A on the coding strand, the complement: MAT1A is on the minus strand). VCF-style: chr10-80283937-C-T. GRCh37 (hg19) VCF-style: chr10-82043693-C-T.
Other names: short protein forms G91S.
Identifiers: ClinVar variation 2735428 (VCV002735428.4), dbSNP rs1202204033, ClinGen allele CA377363438.